The following is an entry in ClinVar:

ClinVar aggregate classification (germline): Uncertain significance (1 of 4 stars; one submission).

Submission:

GeneDx
Classification: Uncertain significance. Last evaluated: 2016-12-29. Review status: criteria provided, single submitter. Criteria: GeneDx Variant Classification (06012015). Collection method: clinical testing. Allele origin: germline. Affected: yes.
Comment: A variant of uncertain significance has been identified in the GABRB3 gene. The V112E variant has not been published as a pathogenic variant, nor has it been reported as a benign variant to our knowledge. The V112E variant is not observed in large population cohorts (Lek et al., 2016; 1000 Genomes Consortium et al., 2015; Exome Variant Server). The V112E variant is a non-conservative amino acid substitution, which is likely to impact secondary protein structure as these residues differ in polarity, charge, size and/or other properties. This substitution occurs at a position that is conserved across species, and in silico analysis predicts this variant is probably damaging to the protein structure/function. However, based on the currently available information, it is unclear whether this variant is a pathogenic variant or a rare benign variant.

NM_000814.6(GABRB3):c.335T>A (p.Val112Glu)

Gene: GABRB3 (gamma-aminobutyric acid type A receptor subunit beta3; minus strand). Cytogenetic location: 15q12.
Variant type: single nucleotide variant.
Coding change: c.335T>A on transcript NM_000814.6 (MANE Select); coding-DNA position 335, T replaced by A.
Protein change: p.Val112Glu; replaces valine 112 with glutamic acid.
Molecular consequence: missense variant. On other transcripts: non-coding transcript variant (1).
Genome position (GRCh38, 1-based): chr15:26,621,440, A>T on the plus strand (T>A on the coding strand, the complement: GABRB3 is on the minus strand). VCF-style: chr15-26621440-A-T. GRCh37 (hg19) VCF-style: chr15-26866587-A-T.
Other names: c.80T>A, p.Val27Glu (NM_001191320.2, NM_001278631.2); c.122T>A, p.Val41Glu (NM_001191321.3); c.335T>A, p.Val112Glu (NM_021912.5); short protein forms V112E, V41E, V27E.
Identifiers: ClinVar variation 392170 (VCV000392170.2), dbSNP rs1057524381, ClinGen allele CA16606904.